The following is an entry in ClinVar:

NM_001134793.2(HYLS1):c.643C>T (p.Arg215Trp)

Genes: HYLS1 (HYLS1 centriolar and ciliogenesis associated; plus strand), PUS3 (pseudouridine synthase 3; minus strand). Cytogenetic location: 11q24.2.
Variant type: single nucleotide variant.
Coding change: c.643C>T on transcript NM_001134793.2 (MANE Select); coding-DNA position 643, C replaced by T.
Protein change: p.Arg215Trp; replaces arginine 215 with tryptophan.
Molecular consequence: missense variant. On other transcripts: intron variant (7).
Genome position (GRCh38, 1-based): chr11:125,900,011, C>T. VCF-style: chr11-125900011-C-T. GRCh37 (hg19) VCF-style: chr11-125769906-C-T.
Other names: c.643C>T, p.Arg215Trp (NM_001377269.1, NM_001377270.1, NM_001424364.1 and 1 more transcripts); c.-247+3159G>A (NM_001271985.2); c.-47+3159G>A (NM_001441241.1, NM_001441239.1, NM_031307.4); c.-247+668G>A (NM_001441238.1); c.-47+668G>A (NM_001441240.1, NM_001441237.1); short protein forms R215W.
Identifiers: ClinVar variation 4914760 (VCV004914760.2).

ClinVar aggregate classification (germline): Conflicting classifications of pathogenicity. Review status: criteria provided, conflicting classifications (1 of 4 stars). 2 submissions from 2 submitters: Likely pathogenic (1); Uncertain significance (1). Last evaluated 2025-11-25.

Conditions:
HYLS1-related disorders.
Hydrolethalus syndrome 1 (HLS1). Identifiers: Orphanet 2189, MedGen C1856016, MONDO:0009365, OMIM 236680.

gnomAD v4.1: 22 of 1,614,124 alleles (0.0014%); highest among the groups gnomAD compares: Middle Eastern, 0.016%; no homozygotes.

Submissions (2):

Myriad Genetics, Inc.
Classification: Uncertain significance for Hydrolethalus syndrome 1. Last evaluated: 2025-11-25. Review status: criteria provided, single submitter. Criteria: Myriad Autosomal Dominant, Autosomal Recessive and X-Linked Classification Criteria (2023). Collection method: clinical testing. Allele origin: unknown.
Comment: NM_145014.2(HYLS1):c.643C>T(R215W) is a missense variant classified as a variant of uncertain significance in the context of hydrolethalus syndrome. R215W has not been observed in cases with relevant disease. Relevant functional assessments of this variant are not available in the literature. R215W has been observed in referenced population frequency databases. In summary, there is insufficient evidence to classify NM_145014.2(HYLS1):c.643C>T(R215W) as pathogenic or benign. Please note: this variant was assessed in the context of healthy population screening.

Blueprint Genetics
Classification: Likely pathogenic for HYLS1-related disorders. Last evaluated: 2023-03-27. Review status: criteria provided, single submitter. Criteria: ACMG Guidelines, 2015. Collection method: clinical testing. Allele origin: germline. Affected: yes. Observed: 3 variant alleles.